The following is an entry in ClinVar:

ClinVar aggregate classification (germline): Uncertain significance. Review status: criteria provided, multiple submitters, no conflicts (2 of 4 stars). 2 submissions from 2 submitters: Uncertain significance (2). Last evaluated 2025-04-28.

Conditions:
Inborn genetic diseases. Identifiers: MedGen C0950123, MeSH D030342.

Allele frequency attached by ClinVar (database versions not stated): gnomAD 0.00001 and 0.00003; TOPMed 0.00002; ExAC 0.00006.
gnomAD v4.1: 61 of 1,614,030 alleles (0.0038%); highest among the groups gnomAD compares: South Asian, 0.044%; no homozygotes.

Submissions (2):

Labcorp Genetics (formerly Invitae), Labcorp
Classification: Uncertain significance. Last evaluated: 2025-04-28. Review status: criteria provided, single submitter. Criteria: Invitae Variant Classification Sherloc (09022015). Collection method: clinical testing. Allele origin: germline.
Comment: This sequence change replaces proline, which is neutral and non-polar, with leucine, which is neutral and non-polar, at codon 211 of the RGS9 protein (p.Pro211Leu). This variant is present in population databases (rs145263061, gnomAD 0.03%). This variant has not been reported in the literature in individuals affected with RGS9-related conditions. ClinVar contains an entry for this variant (Variation ID: 1517310). Invitae Evidence Modeling of protein sequence and biophysical properties (such as structural, functional, and spatial information, amino acid conservation, physicochemical variation, residue mobility, and thermodynamic stability) indicates that this missense variant is not expected to disrupt RGS9 protein function with a negative predictive value of 80%. In summary, the available evidence is currently insufficient to determine the role of this variant in disease. Therefore, it has been classified as a Variant of Uncertain Significance.

Ambry Genetics
Classification: Uncertain significance for Inborn genetic diseases. Last evaluated: 2022-12-16. Review status: criteria provided, single submitter. Criteria: Ambry Variant Classification Scheme 2023. Collection method: clinical testing. Allele origin: germline.

NM_003835.4(RGS9):c.632C>T (p.Pro211Leu)

Gene: RGS9 (regulator of G protein signaling 9; plus strand). Cytogenetic location: 17q24.1.
Variant type: single nucleotide variant.
Coding change: c.632C>T on transcript NM_003835.4 (MANE Select); coding-DNA position 632, C replaced by T.
Protein change: p.Pro211Leu; replaces proline 211 with leucine.
Molecular consequence: missense variant.
Genome position (GRCh38, 1-based): chr17:65,177,781, C>T. VCF-style: chr17-65177781-C-T. GRCh37 (hg19) VCF-style: chr17-63173899-C-T.
Other names: c.632C>T, p.Pro211Leu (NM_001081955.3, NM_001165933.2); short protein forms P211L.
Identifiers: ClinVar variation 1517310 (VCV001517310.5), dbSNP rs145263061, ClinGen allele CA8717752.